The following is an entry in ClinVar:

NM_006904.7(PRKDC):c.5084TTC[1] (p.Leu1696del)

Gene: PRKDC (protein kinase, DNA-activated, catalytic subunit; minus strand). Cytogenetic location: 8q11.21.
Variant type: Microsatellite.
Coding change: c.5084TTC[1] on transcript NM_006904.7 (MANE Select); one copy of the 3-base unit TTC starting at c.5084; the reference has two copies in a row; one copy, 3 bases deleted.
Protein change: p.Leu1696del; deletes leucine 1696.
Molecular consequence: inframe deletion.
Genome position (GRCh38, 1-based): chr8:47,879,637-47,879,639, GAA deleted on the plus strand (TTC on the coding strand, the reverse complement: PRKDC is on the minus strand); deleting any 3 consecutive bases within chr8:47,879,637-47,879,644 gives the same sequence; the position shown is the placement nearest the transcript's 3' end. VCF-style (leftmost placement, unchanged base first): chr8-47879636-GGAA-G. GRCh37 (hg19) VCF-style: chr8-48792197-GGAA-G.
Other names: c.5084TTC[1], p.Leu1696del (NM_001081640.2); short protein forms L1696del.
Identifiers: ClinVar variation 2149334 (VCV002149334.1), dbSNP rs1323438120, ClinGen allele CA852604445.
Genomic context (GRCh38, chr8:47,879,636, plus strand): 5'-AGCTGCTCCAGAACACGTCTAAGTTCCTCCAGACTGCCTCCAGTGAGGCTGGTGAAGAAT[GGAA>G]GAAGAGTGACAGCTTGGCCCTGTGGAGCAAGACAGACATAAGAAACTGCACGAATTATGG-3'

ClinVar aggregate classification (germline): Uncertain significance (1 of 4 stars; one submission).

Conditions:
Severe combined immunodeficiency due to DNA-PKcs deficiency. Also called: IMMUNODEFICIENCY 26 WITH NEUROLOGIC ABNORMALITIES; Immunodeficiency 26 with or without neurologic abnormalities. Identifiers: Orphanet 317425, MedGen C4014833, MONDO:0014423, OMIM 615966.

Submission:

Labcorp Genetics (formerly Invitae), Labcorp
Classification: Uncertain significance for Severe combined immunodeficiency due to DNA-PKcs deficiency. Last evaluated: 2022-10-17. Review status: criteria provided, single submitter. Criteria: Invitae Variant Classification Sherloc (09022015). Collection method: clinical testing. Allele origin: germline.
Comment: This variant, c.5087_5089del, results in the deletion of 1 amino acid(s) of the PRKDC protein (p.Leu1696del), but otherwise preserves the integrity of the reading frame. This variant is not present in population databases (gnomAD no frequency). This variant has not been reported in the literature in individuals affected with PRKDC-related conditions. Experimental studies and prediction algorithms are not available or were not evaluated, and the functional significance of this variant is currently unknown. In summary, the available evidence is currently insufficient to determine the role of this variant in disease. Therefore, it has been classified as a Variant of Uncertain Significance.